The following is an entry in ClinVar:

NM_000393.5(COL5A2):c.208C>T (p.Leu70Phe)

Gene: COL5A2 (collagen type V alpha 2 chain; minus strand). Cytogenetic location: 2q32.2.
Variant type: single nucleotide variant.
Coding change: c.208C>T on transcript NM_000393.5 (MANE Select); coding-DNA position 208, C replaced by T.
Protein change: p.Leu70Phe; replaces leucine 70 with phenylalanine.
Molecular consequence: missense variant.
Genome position (GRCh38, 1-based): chr2:189,110,339, G>A on the plus strand (C>T on the coding strand, the complement: COL5A2 is on the minus strand). VCF-style: chr2-189110339-G-A. GRCh37 (hg19) VCF-style: chr2-189975065-G-A.
Other names: short protein forms L70F.
Identifiers: ClinVar variation 2633737 (VCV002633737.2), dbSNP rs1687236468, ClinGen allele CA349868111.
Genomic context (GRCh38, chr2:189,110,339, plus strand): 5'-CAGGGGGCGTTACAGGGTCGGCACAGTCCAGCACATCCTGGCATTCTATCTTGTCACAGA[G>A]AATGGCTCCATTGTCACAGACACAGATCTGACAAGGGGCAGGTTTCCAAATGTCCCTGTT-3'
Protein context (NP_000384.2, residues 60-80): QICVCDNGAI[Leu70Phe]CDKIECQDVL

ClinVar aggregate classification (germline): Uncertain significance. Review status: criteria provided, multiple submitters, no conflicts (2 of 4 stars). 2 submissions from 2 submitters: Uncertain significance (2). Last evaluated 2026-03-27.

Conditions:
COL5A2-related disorder. Also called: COL5A2-related condition.

Allele frequency attached by ClinVar (database versions not stated): gnomAD exomes below 0.00001; gnomAD 0.00001; TOPMed 0.00001.
gnomAD v4.1: 2 of 1,614,044 alleles (0.00012%); highest among the groups gnomAD compares: Admixed American, 0.0017%; no homozygotes.

Submissions (2):

Women's Health and Genetics/Laboratory Corporation of America, LabCorp
Classification: Uncertain significance. Last evaluated: 2026-03-27. Review status: criteria provided, single submitter. Criteria: LabCorp Variant Classification Summary - May 2015. Collection method: clinical testing. Allele origin: germline.
Comment: Variant summary: COL5A2 c.208C>T (p.Leu70Phe) results in a non-conservative amino acid change in the encoded protein sequence. Algorithms developed to predict the effect of missense changes on protein structure and function are either unavailable or do not agree on the potential impact of this missense change. The variant was absent in 251342 control chromosomes. The available data on variant occurrences in the general population are insufficient to allow any conclusion about variant significance. To our knowledge, no occurrence of c.208C>T in individuals affected with COL5A2-related conditions and no experimental evidence demonstrating its impact on protein function have been reported. ClinVar contains an entry for this variant (Variation ID: 2633737). Based on the evidence outlined above, the variant was classified as uncertain significance.

PreventionGenetics, part of Exact Sciences
Classification: Uncertain significance for COL5A2-related condition. Last evaluated: 2023-03-23. Review status: criteria provided, single submitter. Criteria: ACMG Guidelines, 2015. Collection method: clinical testing. Allele origin: germline.
Comment: The COL5A2 c.208C>T variant is predicted to result in the amino acid substitution p.Leu70Phe. To our knowledge, this variant has not been reported in the literature or in a large population database, indicating this variant is rare. At this time, the clinical significance of this variant is uncertain due to the absence of conclusive functional and genetic evidence.